The following is an entry in ClinVar:

ClinVar aggregate classification (germline): Uncertain significance (1 of 4 stars; one submission).

gnomAD v4.1: 213 of 1,613,552 alleles (0.013%); highest among the groups gnomAD compares: African/African-American, 0.24%; 1 homozygote.

Submission:

CeGaT Center for Human Genetics Tuebingen
Classification: Uncertain significance. Last evaluated: 2025-12-01. Review status: criteria provided, single submitter. Criteria: CeGaT Center For Human Genetics Tuebingen Variant Classification Criteria Version 2. Collection method: clinical testing. Allele origin: germline. Affected: yes. Observed: 1 variant allele.
Comment: SEL1L: PM2, BP4

NM_005065.6(SEL1L):c.43C>T (p.Leu15=)

Gene: SEL1L (SEL1L adaptor subunit of SYVN1 ubiquitin ligase; minus strand). Cytogenetic location: 14q31.1.
Variant type: single nucleotide variant.
Coding change: c.43C>T on transcript NM_005065.6 (MANE Select); coding-DNA position 43, C replaced by T.
Protein change: p.Leu15=; no amino-acid change (leucine 15 retained).
Molecular consequence: synonymous variant.
Genome position (GRCh38, 1-based): chr14:81,533,702, G>A on the plus strand (C>T on the coding strand, the complement: SEL1L is on the minus strand). VCF-style: chr14-81533702-G-A. GRCh37 (hg19) VCF-style: chr14-82000046-G-A.
Other names: c.43C>T, p.Leu15= (NM_001244984.2).
Identifiers: ClinVar variation 4681622 (VCV004681622.5).
Genomic context (GRCh38, chr14:81,533,702, plus strand): 5'-CTGGGCCTTCAGCCCGAGGGGGCGGATACTGACCCGAGGACGCCGAGGCCAAGCTCAGCA[G>A]CACCGCACACAGCAGCAGCGTCAGCCCTATCCGGACCCGCATCCTCCTCTCGGGGCCGGT-3'
Protein context (NP_005056.3, residues 5-25): IGLTLLLCAV[Leu15=]LSLASASSDE